The following is an entry in ClinVar:

ClinVar aggregate classification (germline): Uncertain significance (1 of 4 stars; one submission).

Allele frequency attached by ClinVar (database versions not stated): TOPMed below 0.00001; gnomAD exomes 0.00001; ExAC 0.00002.
gnomAD v4.1: 16 of 1,612,068 alleles (0.00099%); highest among the groups gnomAD compares: Middle Eastern, 0.033%; no homozygotes.

Submission:

Labcorp Genetics (formerly Invitae), Labcorp
Classification: Uncertain significance. Last evaluated: 2021-05-18. Review status: criteria provided, single submitter. Criteria: Invitae Variant Classification Sherloc (09022015). Collection method: clinical testing. Allele origin: germline.
Comment: Experimental studies and prediction algorithms are not available or were not evaluated, and the functional significance of this variant is currently unknown. In summary, the available evidence is currently insufficient to determine the role of this variant in disease. Therefore, it has been classified as a Variant of Uncertain Significance. This variant has not been reported in the literature in individuals with HTT-related conditions. This variant is present in population databases (rs745364744, ExAC 0.009%). This sequence change replaces proline with serine at codon 121 of the HTT protein (p.Pro121Ser). The proline residue is highly conserved and there is a moderate physicochemical difference between proline and serine.

NM_001388492.1(HTT):c.355C>T (p.Pro119Ser)

Gene: HTT (huntingtin; plus strand). Cytogenetic location: 4p16.3.
Variant type: single nucleotide variant.
Coding change: c.355C>T on transcript NM_001388492.1 (MANE Select); coding-DNA position 355, C replaced by T.
Protein change: p.Pro119Ser; replaces proline 119 with serine.
Molecular consequence: missense variant.
Genome position (GRCh38, 1-based): chr4:3,099,281, C>T. VCF-style: chr4-3099281-C-T. GRCh37 (hg19) VCF-style: chr4-3101008-C-T.
Other names: c.361C>T, p.Pro121Ser (NM_002111.8); short protein forms P121S, P119S.
Identifiers: ClinVar variation 1465167 (VCV001465167.6), dbSNP rs745364744, ClinGen allele CA2823201.